The following is an entry in ClinVar:

ClinVar aggregate classification (germline): Benign. Review status: criteria provided, multiple submitters, no conflicts (2 of 4 stars). 2 submissions from 2 submitters: Benign (2). Last evaluated 2018-01-13.

Conditions:
Congenital fibrosis of extraocular muscles type 1. Also called: CFEOM3B; BLEPHAROPTOSIS WITH ABSENT EYE MOVEMENTS; OPHTHALMOPLEGIA, CONGENITAL; FEOM1 LOCUS. Identifiers: MedGen C1851102, MONDO:0021083, OMIM 135700.

Allele frequency attached by ClinVar (database versions not stated): gnomAD exomes 0.22280; TOPMed 0.30824; 1000 Genomes Project 30x 0.37976; 1000 Genomes Project 0.38219; gnomAD 0.29717 and 0.29569.
gnomAD v4.1: 102,789 of 411,246 alleles (25%); highest among the groups gnomAD compares: African/African-American, 53%; 16,336 homozygotes.

Submissions (2):

Illumina Laboratory Services, Illumina
Classification: Benign for Congenital fibrosis of extraocular muscles type 1. Last evaluated: 2018-01-13. Review status: criteria provided, single submitter. Criteria: ICSL Variant Classification Criteria 13 December 2019. Collection method: clinical testing. Allele origin: germline.
Comment: This variant was observed in the ICSL laboratory as part of a predisposition screen in an ostensibly healthy population. It had not been previously curated by ICSL or reported in the Human Gene Mutation Database (HGMD: prior to June 1st, 2018), and was therefore a candidate for classification through an automated scoring system. Utilizing variant allele frequency, disease prevalence and penetrance estimates, and inheritance mode, an automated score was calculated to assess if this variant is too frequent to cause the disease. Based on the score and internal cut-off values, a variant classified as benign is not then subjected to further curation. The score for this variant resulted in a classification of benign for this disease.

Breakthrough Genomics
Classification: Benign. Review status: criteria provided, single submitter. Criteria: ACMG Guidelines, 2015. Collection method: not provided. Allele origin: germline. Inheritance: Autosomal dominant inheritance. Affected: yes.

NM_001173464.2(KIF21A):c.*237A>G

Gene: KIF21A (kinesin family member 21A; minus strand). Cytogenetic location: 12q12.
Variant type: single nucleotide variant.
Coding change: c.*237A>G on transcript NM_001173464.2 (MANE Select); 237 bases downstream of the stop codon, A replaced by G.
Molecular consequence: 3 prime UTR variant.
Genome position (GRCh38, 1-based): chr12:39,294,187, T>C on the plus strand (A>G on the coding strand, the complement: KIF21A is on the minus strand). VCF-style: chr12-39294187-T-C. GRCh37 (hg19) VCF-style: chr12-39687989-T-C.
Other names: c.*237A>G (NM_001173463.2, NM_001173465.2, NM_017641.4).
Identifiers: ClinVar variation 308542 (VCV000308542.6), dbSNP rs11171675, ClinGen allele CA10641105.
Genomic context (GRCh38, chr12:39,294,187, plus strand): 5'-TCAAATAATTTGAAAGTGTGTTTTATAGATAGGCACAAAAATTCAGCCACAATAAAAGTG[T>C]GAATAAAGCAATATATCAATTGTAGGATATATATCTATTGGTTGATCTTAAAACTAAGCA-3'